The following is an entry in ClinVar:

ClinVar aggregate classification (germline): Benign/Likely benign. Review status: criteria provided, multiple submitters, no conflicts (2 of 4 stars). 3 submissions from 3 submitters: Benign (1); Likely benign (2). Last evaluated 2026-02-28.

Conditions:
Hereditary cancer-predisposing syndrome. Also called: Hereditary Cancer Syndrome; Neoplastic Syndromes, Hereditary; Tumor predisposition; Hereditary neoplastic syndrome. Identifiers: Orphanet 140162, MedGen C0027672, MeSH D009386, MONDO:0015356.
Familial adenomatous polyposis 1 (FAP1). Also called: FAMILIAL ADENOMATOUS POLYPOSIS 1, ATTENUATED; POLYPOSIS, ADENOMATOUS INTESTINAL. Identifiers: MedGen C2713442, MONDO:0021056, OMIM 175100. Disease mechanism: loss of function.

Submissions (3):

Ambry Genetics
Classification: Likely benign for Hereditary cancer-predisposing syndrome. Last evaluated: 2026-02-28. Review status: criteria provided, single submitter. Criteria: Ambry Variant Classification Scheme 2023. Collection method: clinical testing. Allele origin: germline.

Labcorp Genetics (formerly Invitae), Labcorp
Classification: Likely benign for Familial adenomatous polyposis 1. Last evaluated: 2025-08-30. Review status: criteria provided, single submitter. Criteria: Invitae Variant Classification Sherloc (09022015). Collection method: clinical testing. Allele origin: germline.

Myriad Genetics, Inc.
Classification: Benign for Familial adenomatous polyposis 1. Last evaluated: 2024-03-18. Review status: criteria provided, single submitter. Criteria: Myriad Autosomal Dominant, Autosomal Recessive and X-Linked Classification Criteria (2023). Collection method: clinical testing. Allele origin: unknown.
Comment: This variant is considered benign. This variant is a silent/synonymous amino acid change and it is not expected to impact splicing.

NM_000038.6(APC):c.3120G>A (p.Arg1040=)

Gene: APC (APC regulator of Wnt signaling pathway; plus strand). Cytogenetic location: 5q22.2.
Variant type: single nucleotide variant.
Coding change: c.3120G>A on transcript NM_000038.6 (MANE Select); coding-DNA position 3120, G replaced by A.
Protein change: p.Arg1040=; no amino-acid change (arginine 1040 retained).
Molecular consequence: synonymous variant.
Genome position (GRCh38, 1-based): chr5:112,838,714, G>A. VCF-style: chr5-112838714-G-A. GRCh37 (hg19) VCF-style: chr5-112174411-G-A.
Other names: c.3120G>A (NM_000038.5); c.3120G>A, p.Arg1040= (NM_001127510.3, NM_001354895.2); c.3066G>A, p.Arg1022= (NM_001127511.3); c.3174G>A, p.Arg1058= (NM_001354896.2); c.3150G>A, p.Arg1050= (NM_001354897.2); c.3045G>A, p.Arg1015= (NM_001354898.2); c.3036G>A, p.Arg1012= (NM_001354899.2); c.2997G>A, p.Arg999= (NM_001354900.2); and 6 more.
Identifiers: ClinVar variation 1131997 (VCV001131997.50), dbSNP rs2149884761, ClinGen allele CA445963189.